The following is an entry in ClinVar:

ClinVar aggregate classification (germline): Uncertain significance (1 of 4 stars; one submission).

Conditions:
Juvenile polyposis syndrome (JPS). Identifiers: Orphanet 2929, MedGen C0345893, MONDO:0017380, OMIM 174900.

Allele frequency attached by ClinVar (database versions not stated): gnomAD exomes 0.00001; ExAC 0.00002.
gnomAD v4.1: 3 of 1,614,018 alleles (0.00019%); highest among the groups gnomAD compares: Non-Finnish European, 0.00025%; no homozygotes.

Submission:

Labcorp Genetics (formerly Invitae), Labcorp
Classification: Uncertain significance for Juvenile polyposis syndrome. Last evaluated: 2020-04-17. Review status: criteria provided, single submitter. Criteria: Invitae Variant Classification Sherloc (09022015). Collection method: clinical testing. Allele origin: germline.
Comment: This variant has not been reported in the literature in individuals with BMPR1A-related conditions. This variant is present in population databases (rs763548019, ExAC 0.003%). This sequence change replaces glutamic acid with alanine at codon 197 of the BMPR1A protein (p.Glu197Ala). The glutamic acid residue is moderately conserved and there is a moderate physicochemical difference between glutamic acid and alanine. Algorithms developed to predict the effect of missense changes on protein structure and function (SIFT, PolyPhen-2, Align-GVGD) all suggest that this variant is likely to be tolerated, but these predictions have not been confirmed by published functional studies and their clinical significance is uncertain. In summary, the available evidence is currently insufficient to determine the role of this variant in disease. Therefore, it has been classified as a Variant of Uncertain Significance.

NM_004329.3(BMPR1A):c.590A>C (p.Glu197Ala)

Gene: BMPR1A (bone morphogenetic protein receptor type 1A; plus strand). Cytogenetic location: 10q23.2.
Variant type: single nucleotide variant.
Coding change: c.590A>C on transcript NM_004329.3 (MANE Select); coding-DNA position 590, A replaced by C.
Protein change: p.Glu197Ala; replaces glutamic acid 197 with alanine.
Molecular consequence: missense variant.
Genome position (GRCh38, 1-based): chr10:86,912,299, A>C. VCF-style: chr10-86912299-A-C. GRCh37 (hg19) VCF-style: chr10-88672056-A-C.
Other names: short protein forms E197A.
Identifiers: ClinVar variation 1045188 (VCV001045188.9), dbSNP rs763548019, ClinGen allele CA5585561.